The following is an entry in ClinVar:

ClinVar aggregate classification (germline): Uncertain significance (1 of 4 stars; one submission).

gnomAD v4.1: 5 of 1,614,014 alleles (0.00031%); highest among the groups gnomAD compares: Non-Finnish European, 0.00042%; no homozygotes.

Submission:

Labcorp Genetics (formerly Invitae), Labcorp
Classification: Uncertain significance. Last evaluated: 2024-03-17. Review status: criteria provided, single submitter. Criteria: Invitae Variant Classification Sherloc (09022015). Collection method: clinical testing. Allele origin: germline.
Comment: This sequence change replaces threonine, which is neutral and polar, with alanine, which is neutral and non-polar, at codon 72 of the FBLN5 protein (p.Thr72Ala). This variant is not present in population databases (gnomAD no frequency). This variant has not been reported in the literature in individuals affected with FBLN5-related conditions. An algorithm developed to predict the effect of missense changes on protein structure and function (PolyPhen-2) suggests that this variant is likely to be tolerated. In summary, the available evidence is currently insufficient to determine the role of this variant in disease. Therefore, it has been classified as a Variant of Uncertain Significance.

NM_006329.4(FBLN5):c.214A>G (p.Thr72Ala)

Gene: FBLN5 (fibulin 5; minus strand). Cytogenetic location: 14q32.12.
Variant type: single nucleotide variant.
Coding change: c.214A>G on transcript NM_006329.4 (MANE Select); coding-DNA position 214, A replaced by G.
Protein change: p.Thr72Ala; replaces threonine 72 with alanine.
Molecular consequence: missense variant.
Genome position (GRCh38, 1-based): chr14:91,937,112, T>C on the plus strand (A>G on the coding strand, the complement: FBLN5 is on the minus strand). VCF-style: chr14-91937112-T-C. GRCh37 (hg19) VCF-style: chr14-92403456-T-C.
Other names: c.214A>G, p.Thr72Ala (NM_001384160.1); c.46A>G, p.Thr16Ala (NM_001384161.1, NM_001384162.1); c.265A>G, p.Thr89Ala (NM_001384159.1); c.337A>G, p.Thr113Ala (NM_001384158.1); short protein forms T113A, T16A, T72A, T89A.
Identifiers: ClinVar variation 3622232 (VCV003622232.2).
Genomic context (GRCh38, chr14:91,937,112, plus strand): 5'-ACGGACCTGAGTAGGGGGTCGAGTAGGGGTTCGAGTAGGGCCCTCGATACACAGGGTTTG[T>C]CCGGGGAATGCATAAATACCCGCCATTTTGGTTAACACACATCATGTCTCCTCGGCAGGC-3'
Protein context (NP_006320.2, residues 62-82): QNGGYLCIPR[Thr72Ala]NPVYRGPYSN